The following is an entry in ClinVar:

NM_198578.4(LRRK2):c.621A>G (p.Ile207Met)

Gene: LRRK2 (leucine rich repeat kinase 2; plus strand). Cytogenetic location: 12q12.
Variant type: single nucleotide variant.
Coding change: c.621A>G on transcript NM_198578.4 (MANE Select); coding-DNA position 621, A replaced by G.
Protein change: p.Ile207Met; replaces isoleucine 207 with methionine.
Molecular consequence: missense variant.
Genome position (GRCh38, 1-based): chr12:40,240,532, A>G. VCF-style: chr12-40240532-A-G. GRCh37 (hg19) VCF-style: chr12-40634334-A-G.
Other names: p.Ile207Met; short protein forms I207M.
Identifiers: ClinVar variation 3121149 (VCV003121149.2), dbSNP rs761646404, ClinGen allele CA6513145.

ClinVar aggregate classification (germline): Uncertain significance. Review status: criteria provided, multiple submitters, no conflicts (2 of 4 stars). 2 submissions from 2 submitters: Uncertain significance (2). Last evaluated 2025-03-27.

Conditions:
Inborn genetic diseases. Identifiers: MedGen C0950123, MeSH D030342.

Allele frequency attached by ClinVar (database versions not stated): ExAC 0.00001; gnomAD 0.00001; TOPMed 0.00002; gnomAD exomes 0.00003.
gnomAD v4.1: 46 of 1,612,786 alleles (0.0029%); highest among the groups gnomAD compares: Non-Finnish European, 0.0037%; no homozygotes.

Submissions (2):

Mayo Clinic Laboratories, Mayo Clinic
Classification: Uncertain significance. Last evaluated: 2025-03-27. Review status: criteria provided, single submitter. Criteria: ACMG Guidelines, 2015. Collection method: clinical testing. Allele origin: germline. Observed: 1 variant allele.
Comment: BP4_moderate

Ambry Genetics
Classification: Uncertain significance for Inborn genetic diseases. Last evaluated: 2023-12-26. Review status: criteria provided, single submitter. Criteria: Ambry Variant Classification Scheme 2023. Collection method: clinical testing. Allele origin: germline.